The following is an entry in ClinVar:

NM_015650.4(TRAF3IP1):c.771del (p.Glu258fs)

Gene: TRAF3IP1 (TRAF3 interacting protein 1; plus strand). Cytogenetic location: 2q37.3.
Variant type: Deletion.
Coding change: c.771del on transcript NM_015650.4 (MANE Select); coding-DNA position 771, one base deleted (A; older notation c.771delA).
Protein change: p.Glu258fs; shifts the reading frame from glutamic acid 258.
Molecular consequence: frameshift variant.
Genome position (GRCh38, 1-based): chr2:238,329,198, A deleted; the last of 3 consecutive A bases (chr2:238,329,196-238,329,198); deleting any one gives the same sequence. VCF-style (leftmost placement, unchanged base first): chr2-238329195-GA-G. GRCh37 (hg19) VCF-style: chr2-239237836-GA-G.
Other names: c.771del, p.Glu258fs (NM_001139490.1); short protein forms E258fs.
Identifiers: ClinVar variation 2734434 (VCV002734434.3), dbSNP rs776957067, ClinGen allele CA2198139.
Genomic context (GRCh38, chr2:238,329,195, plus strand): 5'-CAGGGAGCGGGACAGAGACTCCGAGCGCAAGAAGGAGACAGAGAGAAAGAGTGAGGGGGG[GA>G]AAGAGAAGGAGAGACTGAGAGACAGGGACCGAGAGCGCGACCGGGACAAAGGGAAGGACA-3'

ClinVar aggregate classification (germline): Pathogenic (1 of 4 stars; one submission).

Submission:

Labcorp Genetics (formerly Invitae), Labcorp
Classification: Pathogenic. Last evaluated: 2024-03-15. Review status: criteria provided, single submitter. Criteria: Invitae Variant Classification Sherloc (09022015). Collection method: clinical testing. Allele origin: germline.
Comment: This sequence change creates a premature translational stop signal (p.Glu258Argfs*5) in the TRAF3IP1 gene. It is expected to result in an absent or disrupted protein product. Loss-of-function variants in TRAF3IP1 are known to be pathogenic (PMID: 21945076, 26487268, 29068549). This variant is present in population databases (rs776957067, gnomAD 0.001%). This variant has not been reported in the literature in individuals affected with TRAF3IP1-related conditions. For these reasons, this variant has been classified as Pathogenic.

Literature cited by the submitters: PubMed 21945076; PubMed 26487268; PubMed 29068549.